The following is an entry in ClinVar:

NM_022841.7(RFX7):c.553G>T (p.Val185Phe)

Gene: RFX7 (regulatory factor X7; minus strand). Cytogenetic location: 15q21.3.
Variant type: single nucleotide variant.
Coding change: c.553G>T on transcript NM_022841.7 (MANE Select); coding-DNA position 553, G replaced by T.
Protein change: p.Val185Phe; replaces valine 185 with phenylalanine.
Molecular consequence: missense variant.
Genome position (GRCh38, 1-based): chr15:56,102,219, C>A on the plus strand (G>T on the coding strand, the complement: RFX7 is on the minus strand). VCF-style: chr15-56102219-C-A. GRCh37 (hg19) VCF-style: chr15-56394417-C-A.
Other names: c.262G>T, p.Val88Phe (NM_001368073.2, NM_001368074.1, NM_001370554.1); c.553G>T, p.Val185Phe (NM_001370561.1); short protein forms V185F, V88F.
Identifiers: ClinVar variation 3781094 (VCV003781094.1).
Genomic context (GRCh38, chr15:56,102,219, plus strand): 5'-GAATTCTTACCCCATCTCCAGTTTTGTGAAAGTCAAGGTTGGGCAGTGTTGGCATATGAA[C>A]AAAAGCTTTTTTTCTTAGTCCACTGTAGCAATATGTAATAAACAGTTAAGGTCTAAATAT-3'
Protein context (NP_073752.6, residues 175-195): CYSGLRKKAF[Val185Phe]HMPTLPNLDF

ClinVar aggregate classification (germline): Uncertain significance (1 of 4 stars; one submission).

Submission:

GeneDx
Classification: Uncertain significance. Last evaluated: 2024-10-15. Review status: criteria provided, single submitter. Criteria: GeneDx Variant Classification Process June 2021. Collection method: clinical testing. Allele origin: germline. Affected: yes.
Comment: Not observed at significant frequency in large population cohorts (gnomAD); In silico analysis supports that this missense variant has a deleterious effect on protein structure/function; Has not been previously published as pathogenic or benign to our knowledge